The following is an entry in ClinVar:

NM_005219.5(DIAPH1):c.2164G>A (p.Gly722Ser)

Gene: DIAPH1 (diaphanous related formin 1; minus strand). Cytogenetic location: 5q31.3.
Variant type: single nucleotide variant.
Coding change: c.2164G>A on transcript NM_005219.5 (MANE Select); coding-DNA position 2164, G replaced by A.
Protein change: p.Gly722Ser; replaces glycine 722 with serine.
Molecular consequence: missense variant.
Genome position (GRCh38, 1-based): chr5:141,573,686, C>T on the plus strand (G>A on the coding strand, the complement: DIAPH1 is on the minus strand). VCF-style: chr5-141573686-C-T. GRCh37 (hg19) VCF-style: chr5-140953253-C-T.
Other names: c.2137G>A, p.Gly713Ser (NM_001079812.3); c.2164G>A, p.Gly722Ser (NM_001314007.2); short protein forms G713S, G722S.
Identifiers: ClinVar variation 4540062 (VCV004540062.1).

ClinVar aggregate classification (germline): Uncertain significance (1 of 4 stars; one submission).

gnomAD v4.1: 2 of 1,602,816 alleles (0.00012%); highest among the groups gnomAD compares: African/African-American, 0.0027%; no homozygotes.

Submission:

GeneDx
Classification: Uncertain significance. Last evaluated: 2025-06-23. Review status: criteria provided, single submitter. Criteria: GeneDx Variant Classification Process June 2021. Collection method: clinical testing. Allele origin: germline. Affected: yes.
Comment: Not observed at significant frequency in large population cohorts (gnomAD); In silico analysis suggests that this missense variant does not alter protein structure/function; In silico analysis suggests this variant may impact gene splicing. In the absence of RNA/functional studies, the actual effect of this sequence change is unknown.; Has not been previously published as pathogenic or benign to our knowledge